The following is an entry in ClinVar:

ClinVar aggregate classification (germline): Pathogenic (1 of 4 stars; one submission).

Submission:

GeneDx
Classification: Pathogenic. Last evaluated: 2023-01-24. Review status: criteria provided, single submitter. Criteria: GeneDx Variant Classification Process June 2021. Collection method: clinical testing. Allele origin: germline. Affected: yes.
Comment: Frameshift variant predicted to result in protein truncation or nonsense mediated decay in a gene for which loss-of-function is a known mechanism of disease; Not observed in large population cohorts (gnomAD); This variant is associated with the following publications: (PMID: 26846091, 30452590)

NM_004523.4(KIF11):c.1040dup (p.Ser348fs)

Gene: KIF11 (kinesin family member 11; plus strand). Cytogenetic location: 10q23.33.
Variant type: Duplication.
Coding change: c.1040dup on transcript NM_004523.4 (MANE Select); coding-DNA position 1040, one base duplicated (T; older notation c.1040dupT).
Protein change: p.Ser348fs; shifts the reading frame from serine 348.
Molecular consequence: frameshift variant.
Genome position (GRCh38, 1-based): chr10:92,616,744, T duplicated. VCF-style (leftmost placement, unchanged base first): chr10-92616743-C-CT. GRCh37 (hg19) VCF-style: chr10-94376500-C-CT.
Other names: c.1040dupT (NM_004523.3); short protein forms S348fs.
Identifiers: ClinVar variation 373017 (VCV000373017.6), dbSNP rs1057518144, ClinGen allele CA16042806.